The following is an entry in ClinVar:

ClinVar aggregate classification (germline): Uncertain significance (1 of 4 stars; one submission).

Submission:

GeneDx
Classification: Uncertain significance. Last evaluated: 2020-08-14. Review status: criteria provided, single submitter. Criteria: GeneDx Variant Classification Process June 2021. Collection method: clinical testing. Allele origin: germline. Affected: yes.
Comment: Not observed in large population cohorts (Lek et al., 2016); In silico analysis supports that this missense variant has a deleterious effect on protein structure/function; Has not been previously published as pathogenic or benign to our knowledge

NM_017534.6(MYH2):c.4885A>G (p.Asn1629Asp)

Genes: MYH2 (myosin heavy chain 2; minus strand), MYHAS (myosin heavy chain gene cluster antisense RNA; plus strand), LOC126862500 (BRD4-independent group 4 enhancer GRCh37_chr17:10427829-10429028; plus strand). Cytogenetic location: 17p13.1.
Variant type: single nucleotide variant.
Coding change: c.4885A>G on transcript NM_017534.6 (MANE Select); coding-DNA position 4885, A replaced by G.
Protein change: p.Asn1629Asp; replaces asparagine 1629 with aspartic acid.
Molecular consequence: missense variant.
Genome position (GRCh38, 1-based): chr17:10,524,843, T>C on the plus strand (A>G on the coding strand, the complement: MYH2 is on the minus strand). VCF-style: chr17-10524843-T-C. GRCh37 (hg19) VCF-style: chr17-10428160-T-C.
Other names: c.4885A>G, p.Asn1629Asp (NM_001100112.2); short protein forms N1629D.
Identifiers: ClinVar variation 1303347 (VCV001303347.2), dbSNP rs2142292538, ClinGen allele CA398121110.